The following is an entry in ClinVar:

NM_001354604.2(MITF):c.631G>T (p.Gly211Cys)

Gene: MITF (melanocyte inducing transcription factor; plus strand). Cytogenetic location: 3p13.
Variant type: single nucleotide variant.
Coding change: c.631G>T on transcript NM_001354604.2 (MANE Select); coding-DNA position 631, G replaced by T.
Protein change: p.Gly211Cys; replaces glycine 211 with cysteine.
Molecular consequence: missense variant.
Genome position (GRCh38, 1-based): chr3:69,939,146, G>T. VCF-style: chr3-69939146-G-T. GRCh37 (hg19) VCF-style: chr3-69988297-G-T.
Other names: c.310G>T, p.Gly104Cys (NM_000248.4, NM_198158.3); c.475G>T, p.Gly159Cys (NM_001184967.2, NM_001354608.2); c.628G>T, p.Gly210Cys (NM_001354605.2, NM_001354606.2, NM_006722.3); c.580G>T, p.Gly194Cys (NM_001354607.2); c.631G>T, p.Gly211Cys (NM_198159.3); c.583G>T, p.Gly195Cys (NM_198177.3); c.142G>T, p.Gly48Cys (NM_198178.3); short protein forms G104C, G159C, G194C, G195C, G210C, G211C, G48C.
Identifiers: ClinVar variation 3763720 (VCV003763720.2).

ClinVar aggregate classification (germline): Uncertain significance (1 of 4 stars; one submission).

Conditions:
Waardenburg syndrome type 2A (WS2A). Also called: WAARDENBURG SYNDROME WITHOUT DYSTOPIA CANTHORUM. Identifiers: Orphanet 3440, MedGen C1860339, MONDO:0008671, OMIM 193510.
Melanoma, cutaneous malignant, susceptibility to, 8. Also called: Cutaneous malignant melanoma 8; MELANOMA AND RENAL CELL CARCINOMA, SUSCEPTIBILITY TO. Identifiers: Orphanet 293822, MedGen C3152204, MONDO:0013759, OMIM 614456.
Tietz syndrome (TADS). Also called: ALBINISM-DEAFNESS OF TIETZ; TIETZ ALBINISM-DEAFNESS SYNDROME; HYPOPIGMENTATION/DEAFNESS OF TIETZ. Identifiers: Orphanet 42665, MedGen C0391816, MONDO:0007077, OMIM 103500.

gnomAD v4.1: 17 of 1,614,084 alleles (0.0011%); highest among the groups gnomAD compares: Non-Finnish European, 0.0014%; no homozygotes.

Submission:

Labcorp Genetics (formerly Invitae), Labcorp
Classification: Uncertain significance for Melanoma, cutaneous malignant, susceptibility to, 8; Waardenburg syndrome type 2A; Tietz syndrome. Last evaluated: 2025-04-17. Review status: criteria provided, single submitter. Criteria: Invitae Variant Classification Sherloc (09022015). Collection method: clinical testing. Allele origin: germline.
Comment: This sequence change replaces glycine, which is neutral and non-polar, with cysteine, which is neutral and slightly polar, at codon 104 of the MITF protein (p.Gly104Cys). This variant is present in population databases (rs755420920, gnomAD 0.006%). This variant has not been reported in the literature in individuals affected with MITF-related conditions. ClinVar contains an entry for this variant (Variation ID: 3763720). An algorithm developed to predict the effect of missense changes on protein structure and function (PolyPhen-2) suggests that this variant is likely to be disruptive. In summary, the available evidence is currently insufficient to determine the role of this variant in disease. Therefore, it has been classified as a Variant of Uncertain Significance.